The following is an entry in ClinVar:

NM_005188.4(CBL):c.38G>T (p.Gly13Val)

Genes: CBL (Cbl proto-oncogene; plus strand), LOC130006895 (ATAC-STARR-seq lymphoblastoid silent region 3975; plus strand). Cytogenetic location: 11q23.3.
Variant type: single nucleotide variant.
Coding change: c.38G>T on transcript NM_005188.4 (MANE Select); coding-DNA position 38, G replaced by T.
Protein change: p.Gly13Val; replaces glycine 13 with valine.
Molecular consequence: missense variant.
Genome position (GRCh38, 1-based): chr11:119,206,455, G>T. VCF-style: chr11-119206455-G-T. GRCh37 (hg19) VCF-style: chr11-119077165-G-T.
Other names: short protein forms G13V.
Identifiers: ClinVar variation 3634371 (VCV003634371.2).
Genomic context (GRCh38, chr11:119,206,455, plus strand): 5'-TGGGCTCCGACCCTGCCCAGGCCATGGCCGGCAACGTGAAGAAGAGCTCTGGGGCCGGGG[G>T]CGGCAGCGGCTCCGGGGGCTCGGGTTCGGGTGGCCTGATTGGGCTCATGAAGGACGCCTT-3'
Protein context (NP_005179.2, residues 3-23): GNVKKSSGAG[Gly13Val]GSGSGGSGSG

ClinVar aggregate classification (germline): Uncertain significance (1 of 4 stars; one submission).

Conditions:
RASopathy. Also called: rasopathies; Noonan spectrum disorder. Identifiers: Orphanet 536391, MedGen C5555857, MONDO:0021060.

Submission:

Labcorp Genetics (formerly Invitae), Labcorp
Classification: Uncertain significance for RASopathy. Last evaluated: 2024-08-18. Review status: criteria provided, single submitter. Criteria: Invitae Variant Classification Sherloc (09022015). Collection method: clinical testing. Allele origin: germline.
Comment: This sequence change replaces glycine, which is neutral and non-polar, with valine, which is neutral and non-polar, at codon 13 of the CBL protein (p.Gly13Val). This variant is not present in population databases (gnomAD no frequency). This variant has not been reported in the literature in individuals affected with CBL-related conditions. Invitae Evidence Modeling of protein sequence and biophysical properties (such as structural, functional, and spatial information, amino acid conservation, physicochemical variation, residue mobility, and thermodynamic stability) indicates that this missense variant is not expected to disrupt CBL protein function with a negative predictive value of 95%. In summary, the available evidence is currently insufficient to determine the role of this variant in disease. Therefore, it has been classified as a Variant of Uncertain Significance.